The following is an entry in ClinVar:

ClinVar aggregate classification (germline): Likely benign (1 of 4 stars; one submission).

Allele frequency attached by ClinVar (database versions not stated): 1000 Genomes Project 30x 0.00141; 1000 Genomes Project 0.00160; TOPMed 0.00404; gnomAD 0.00494; ESP Exome Variant Server 0.00507; gnomAD exomes 0.00569; ExAC 0.00841.
gnomAD v4.1: 9,043 of 1,604,184 alleles (0.56%); highest among the groups gnomAD compares: Middle Eastern, 0.81%; 39 homozygotes.

Submissions (15):

CeGaT Center for Human Genetics Tuebingen
Classification: Likely benign. Last evaluated: 2024-07-01. Review status: criteria provided, single submitter. Criteria: CeGaT Center For Human Genetics Tuebingen Variant Classification Criteria Version 2. Collection method: clinical testing. Allele origin: germline. Affected: yes. Observed: 2 variant alleles.
Comment: SLC2A4: BS2

Dr. Peter K. Rogan Lab, Western University
No classification provided (evidence only). Condition: Lung cancer. Review status: no classification provided. Collection method: in vitro. Allele origin: not applicable. Functional consequence: retained intron. Not counted in ClinVar's aggregate classification.

Dr. Peter K. Rogan Lab, Western University
No classification provided (evidence only). Condition: Familial cancer of breast. Review status: no classification provided. Collection method: in vitro. Allele origin: not applicable. Functional consequence: retained intron. Not counted in ClinVar's aggregate classification.

Dr. Peter K. Rogan Lab, Western University
No classification provided (evidence only). Condition: Thyroid cancer, nonmedullary, 1. Review status: no classification provided. Collection method: in vitro. Allele origin: not applicable. Functional consequence: retained intron. Not counted in ClinVar's aggregate classification.

Dr. Peter K. Rogan Lab, Western University
No classification provided (evidence only). Condition: Thyroid cancer, nonmedullary, 1. Review status: no classification provided. Collection method: in vitro. Allele origin: not applicable. Functional consequence: retained intron. Not counted in ClinVar's aggregate classification.

Dr. Peter K. Rogan Lab, Western University
No classification provided (evidence only). Condition: Cervical cancer. Review status: no classification provided. Collection method: in vitro. Allele origin: not applicable. Functional consequence: retained intron. Not counted in ClinVar's aggregate classification.

Dr. Peter K. Rogan Lab, Western University
No classification provided (evidence only). Condition: Cervical cancer. Review status: no classification provided. Collection method: in vitro. Allele origin: not applicable. Functional consequence: retained intron. Not counted in ClinVar's aggregate classification.

Dr. Peter K. Rogan Lab, Western University
No classification provided (evidence only). Condition: Sarcoma. Review status: no classification provided. Collection method: in vitro. Allele origin: not applicable. Functional consequence: retained intron. Not counted in ClinVar's aggregate classification.

Dr. Peter K. Rogan Lab, Western University
No classification provided (evidence only). Condition: Thymoma. Review status: no classification provided. Collection method: in vitro. Allele origin: not applicable. Functional consequence: retained intron. Not counted in ClinVar's aggregate classification.

Dr. Peter K. Rogan Lab, Western University
No classification provided (evidence only). Condition: Gastric cancer. Review status: no classification provided. Collection method: in vitro. Allele origin: not applicable. Functional consequence: retained intron. Not counted in ClinVar's aggregate classification.

Dr. Peter K. Rogan Lab, Western University
No classification provided (evidence only). Condition: Gastric cancer. Review status: no classification provided. Collection method: in vitro. Allele origin: not applicable. Functional consequence: retained intron. Not counted in ClinVar's aggregate classification.

Dr. Peter K. Rogan Lab, Western University
No classification provided (evidence only). Condition: Gastric cancer. Review status: no classification provided. Collection method: in vitro. Allele origin: not applicable. Functional consequence: retained intron. Not counted in ClinVar's aggregate classification.

Dr. Peter K. Rogan Lab, Western University
No classification provided (evidence only). Condition: Gastric cancer. Review status: no classification provided. Collection method: in vitro. Allele origin: not applicable. Functional consequence: retained intron. Not counted in ClinVar's aggregate classification.

Dr. Peter K. Rogan Lab, Western University
No classification provided (evidence only). Condition: Malignant tumor of esophagus. Review status: no classification provided. Collection method: in vitro. Allele origin: not applicable. Functional consequence: retained intron. Not counted in ClinVar's aggregate classification.

Dr. Peter K. Rogan Lab, Western University
No classification provided (evidence only). Condition: Malignant tumor of esophagus. Review status: no classification provided. Collection method: in vitro. Allele origin: not applicable. Functional consequence: retained intron. Not counted in ClinVar's aggregate classification.

NM_001042.3(SLC2A4):c.1073C>T (p.Ala358Val)

Gene: SLC2A4 (solute carrier family 2 member 4; plus strand). Cytogenetic location: 17p13.1.
Variant type: single nucleotide variant.
Coding change: c.1073C>T on transcript NM_001042.3 (MANE Select); coding-DNA position 1073, C replaced by T.
Protein change: p.Ala358Val; replaces alanine 358 with valine.
Molecular consequence: missense variant.
Genome position (GRCh38, 1-based): chr17:7,285,140, C>T. VCF-style: chr17-7285140-C-T. GRCh37 (hg19) VCF-style: chr17-7188459-C-T.
Other names: NC_000017.10:g.7188459C>T; short protein forms A358V.
Identifiers: ClinVar variation 2647324 (VCV002647324.25), dbSNP rs8192702, ClinGen allele CA8340976.